The following is an entry in ClinVar:

NM_021939.3(FKBP10):c.-412C>G

Gene: FKBP10 (FKBP prolyl isomerase 10; plus strand). Cytogenetic location: 17q21.2.
Variant type: single nucleotide variant.
Coding change: c.-412C>G on transcript NM_021939.3; 412 bases upstream of the start codon, C replaced by G.
Genome position (GRCh38, 1-based): chr17:41,812,623, C>G. VCF-style: chr17-41812623-C-G. GRCh37 (hg19) VCF-style: chr17-39968875-C-G.
Identifiers: ClinVar variation 675916 (VCV000675916.3), dbSNP rs78714425, ClinGen allele CA290695401.

ClinVar aggregate classification (germline): Likely benign (1 of 4 stars; one submission).

Allele frequency attached by ClinVar (database versions not stated): TOPMed 0.00890; 1000 Genomes Project 0.00439; 1000 Genomes Project 30x 0.00484.

Submission:

GeneDx
Classification: Likely benign. Last evaluated: 2018-06-19. Review status: criteria provided, single submitter. Criteria: GeneDx Variant Classification (06012015). Collection method: clinical testing. Allele origin: germline. Affected: yes.
Comment: This variant is considered likely benign or benign based on one or more of the following criteria: it is a conservative change, it occurs at a poorly conserved position in the protein, it is predicted to be benign by multiple in silico algorithms, and/or has population frequency not consistent with disease.